The following is an entry in ClinVar:

NM_001005242.3(PKP2):c.1011C>A (p.Ser337Arg)

Gene: PKP2 (plakophilin 2; minus strand). Cytogenetic location: 12p11.21.
Variant type: single nucleotide variant.
Coding change: c.1011C>A on transcript NM_001005242.3 (MANE Select); coding-DNA position 1011, C replaced by A.
Protein change: p.Ser337Arg; replaces serine 337 with arginine.
Molecular consequence: missense variant.
Genome position (GRCh38, 1-based): chr12:32,877,869, G>T on the plus strand (C>A on the coding strand, the complement: PKP2 is on the minus strand). VCF-style: chr12-32877869-G-T. GRCh37 (hg19) VCF-style: chr12-33030803-G-T.
Other names: c.684C>A, p.Ser228Arg (NM_001407162.1, NM_001407158.1, NM_001407159.1 and 1 more transcripts); c.1011C>A, p.Ser337Arg (NM_004572.4, NM_001407155.1, NM_001407156.1 and 2 more transcripts); short protein forms S228R, S337R.
Identifiers: ClinVar variation 3893817 (VCV003893817.1).

ClinVar aggregate classification (germline): Uncertain significance (1 of 4 stars; one submission).

Conditions:
Cardiomyopathy (CMYO). Also called: Cardiomyopathies. Identifiers: Orphanet 167848, MedGen C0878544, MONDO:0004994, HP:0001638. Inheritance: Various modes of inheritance.

Submission:

Color Diagnostics, LLC DBA Color Health
Classification: Uncertain significance for Cardiomyopathy. Last evaluated: 2025-02-23. Review status: criteria provided, single submitter. Criteria: ACMG Guidelines, 2015. Collection method: clinical testing. Allele origin: germline.
Comment: This missense variant replaces serine with arginine at codon 337 of the PKP2 protein. Computational prediction suggests that this variant may not impact protein structure and function (internally defined REVEL score threshold <= 0.5, PMID: 27666373). To our knowledge, functional studies have not been reported for this variant. This variant has not been reported in individuals affected with PKP2-related disorders in the literature. This variant has not been identified in the general population by the Genome Aggregation Database (gnomAD). The available evidence is insufficient to determine the role of this variant in disease conclusively. Therefore, this variant is classified as a Variant of Uncertain Significance.